The following is an entry in ClinVar:

ClinVar aggregate classification (germline): Uncertain significance (1 of 4 stars; one submission).

Conditions:
Malignant hyperthermia, susceptibility to, 1 (MHS1). Also called: Anesthesia related hyperthermia; Malignant hyperpyrexia; Fulminating hyperpyrexia; Pharmacogenic myopathy; RYR1-Related Malignant Hyperthermia Susceptibility; Malignant hyperthermia suceptibility 1. Identifiers: Orphanet 423, MedGen C2930980, MONDO:0007783, OMIM 145600.

Allele frequency attached by ClinVar (database versions not stated): TOPMed below 0.00001; gnomAD 0.00001; gnomAD exomes 0.00003; ExAC 0.00009.
gnomAD v4.1: 19 of 1,605,282 alleles (0.0012%); highest among the groups gnomAD compares: Non-Finnish European, 0.0016%; no homozygotes.

Submission:

All of Us Research Program, National Institutes of Health
Classification: Uncertain significance for Malignant hyperthermia, susceptibility to, 1. Last evaluated: 2023-11-20. Review status: criteria provided, single submitter. Criteria: ACMG Guidelines, 2015. Collection method: clinical testing. Allele origin: germline. Inheritance: Autosomal dominant inheritance. Observed: 1 variant allele, 1 heterozygote.
Comment: This missense variant replaces aspartic acid with valine at codon 1888 of the RYR1 protein. Computational prediction suggests that this variant may not impact protein structure and function (internally defined REVEL score threshold <= 0.5, PMID: 27666373). To our knowledge, functional studies have not been reported for this variant. This variant has not been reported in individuals affected with RYR1-related disorders in the literature. This variant has been identified in 12/247566 chromosomes in the general population by the Genome Aggregation Database (gnomAD). The available evidence is insufficient to determine the role of this variant in disease conclusively. Therefore, this variant is classified as a Variant of Uncertain Significance.

This study involves interpretation of variants in research participants for the purpose of population health screening. Participant phenotype was not available at the time of variant classification. Additional details can be found in publication PMID: 35346344, PMCID: PMC8962531

NM_000540.3(RYR1):c.5663A>T (p.Asp1888Val)

Gene: RYR1 (ryanodine receptor 1; plus strand). Cytogenetic location: 19q13.2.
Variant type: single nucleotide variant.
Coding change: c.5663A>T on transcript NM_000540.3 (MANE Select); coding-DNA position 5663, A replaced by T.
Protein change: p.Asp1888Val; replaces aspartic acid 1888 with valine.
Molecular consequence: missense variant.
Genome position (GRCh38, 1-based): chr19:38,489,292, A>T. VCF-style: chr19-38489292-A-T. GRCh37 (hg19) VCF-style: chr19-38979932-A-T.
Other names: c.5663A>T, p.Asp1888Val (NM_001042723.2); short protein forms D1888V.
Identifiers: ClinVar variation 3074651 (VCV003074651.1), dbSNP rs762602512, ClinGen allele CA067356.